The following is an entry in ClinVar:

ClinVar aggregate classification (germline): Likely benign (1 of 4 stars; one submission).

Allele frequency attached by ClinVar (database versions not stated): TOPMed 0.00011; ExAC 0.00016; ESP Exome Variant Server 0.00017.
gnomAD v4.1: 249 of 1,612,912 alleles (0.015%); highest among the groups gnomAD compares: Non-Finnish European, 0.019%; no homozygotes.

Submission:

CeGaT Center for Human Genetics Tuebingen
Classification: Likely benign. Last evaluated: 2023-03-01. Review status: criteria provided, single submitter. Criteria: CeGaT Center For Human Genetics Tuebingen Variant Classification Criteria Version 2. Collection method: clinical testing. Allele origin: germline. Affected: yes. Observed: 1 variant allele.
Comment: SERINC5: BP4, BP7

NM_001174072.3(SERINC5):c.922A>C (p.Arg308=)

Gene: SERINC5 (serine incorporator 5; minus strand). Cytogenetic location: 5q14.1.
Variant type: single nucleotide variant.
Coding change: c.922A>C on transcript NM_001174072.3 (MANE Select); coding-DNA position 922, A replaced by C.
Protein change: p.Arg308=; no amino-acid change (arginine 308 retained).
Molecular consequence: synonymous variant. On other transcripts: non-coding transcript variant (2).
Genome position (GRCh38, 1-based): chr5:80,158,900, T>G on the plus strand (A>C on the coding strand, the complement: SERINC5 is on the minus strand). VCF-style: chr5-80158900-T-G. GRCh37 (hg19) VCF-style: chr5-79454723-T-G.
Other names: c.922A>C, p.Arg308= (NM_001174071.3, NM_178276.7).
Identifiers: ClinVar variation 2655568 (VCV002655568.24), dbSNP rs372110753, ClinGen allele CA3324854.
Genomic context (GRCh38, chr5:80,158,900, plus strand): 5'-AATACAAGATACATCCGATTAAGAGGCTGGTCCCCAGTATAGTCACCAAGTTTTCATCTC[T>G]GTACAGGTCTTGACCAAAGTCAGGCACACAGATTGTAACATTTTTCCCATGTTCATCTAG-3'
Protein context (NP_001167543.1, residues 298-318): CVPDFGQDLY[Arg308=]DENLVTILGT